The following is an entry in ClinVar:

NM_005068.3(SIM1):c.1592A>G (p.Asp531Gly)

Gene: SIM1 (SIM bHLH transcription factor 1; minus strand). Cytogenetic location: 6q16.3.
Variant type: single nucleotide variant.
Coding change: c.1592A>G on transcript NM_005068.3 (MANE Select); coding-DNA position 1592, A replaced by G.
Protein change: p.Asp531Gly; replaces aspartic acid 531 with glycine.
Molecular consequence: missense variant.
Genome position (GRCh38, 1-based): chr6:100,391,070, T>C on the plus strand (A>G on the coding strand, the complement: SIM1 is on the minus strand). VCF-style: chr6-100391070-T-C. GRCh37 (hg19) VCF-style: chr6-100838946-T-C.
Other names: c.1592A>G, p.Asp531Gly (NM_001374769.1); short protein forms D531G.
Identifiers: ClinVar variation 4874391 (VCV004874391.2).
Genomic context (GRCh38, chr6:100,391,070, plus strand): 5'-GTACGATATCGGTCACCTGATTCACTGGCCGACCCAGGGTCTGGAGAACTGACCACACTA[T>C]CTTCATCCCAATGACCTCGCCCTAAAAATTAGAAAAAGTCAAAAGTAAGTGATCTCAGAA-3'
Protein context (NP_005059.2, residues 521-541): RIHGRGHWDE[Asp531Gly]SVVSSPDPGS

ClinVar aggregate classification (germline): Uncertain significance (1 of 4 stars; one submission).

gnomAD v4.1: 9 of 1,596,180 alleles (0.00056%); highest among the groups gnomAD compares: Non-Finnish European, 0.00077%; no homozygotes.

Submission:

CeGaT Center for Human Genetics Tuebingen
Classification: Uncertain significance. Last evaluated: 2026-06-01. Review status: criteria provided, single submitter. Criteria: CeGaT Center For Human Genetics Tuebingen Variant Classification Criteria Version 2. Collection method: clinical testing. Allele origin: germline. Affected: yes. Observed: 1 variant allele.
Comment: SIM1: PM2:Supporting